The following is an entry in ClinVar:

ClinVar aggregate classification (germline): Conflicting classifications of pathogenicity. Review status: criteria provided, conflicting classifications (1 of 4 stars). 3 submissions from 3 submitters: Uncertain significance (1); Likely benign (1). 1 of the submissions does not count toward it. Last evaluated 2026-01-17.

Conditions:
SZT2-related disorder. Also called: SZT2-related condition.
Inborn genetic diseases. Identifiers: MedGen C0950123, MeSH D030342.

Allele frequency attached by ClinVar (database versions not stated): gnomAD 0.00006 and 0.00007; TOPMed 0.00009; ESP Exome Variant Server 0.00015.
gnomAD v4.1: 34 of 1,613,724 alleles (0.0021%); highest among the groups gnomAD compares: Middle Eastern, 0.033%; no homozygotes.

Submissions (3):

Labcorp Genetics (formerly Invitae), Labcorp
Classification: Likely benign. Last evaluated: 2026-01-17. Review status: criteria provided, single submitter. Criteria: Invitae Variant Classification Sherloc (09022015). Collection method: clinical testing. Allele origin: germline.

Ambry Genetics
Classification: Uncertain significance for Inborn genetic diseases. Last evaluated: 2020-08-26. Review status: criteria provided, single submitter. Criteria: Ambry Variant Classification Scheme 2023. Collection method: clinical testing. Allele origin: germline.
Comment: The c.28-5C>T intronic variant results from a C to T substitution 5 nucleotides upstream from coding exon 2 in the SZT2 gene. This nucleotide position is poorly conserved in available vertebrate species. In silico splice site analysis predicts that this alteration will not have any significant effect on splicing. Since supporting evidence is limited at this time, the clinical significance of this alteration remains unclear.

PreventionGenetics, part of Exact Sciences
Classification: Likely benign for SZT2-related condition. Last evaluated: 2019-08-20. Review status: no assertion criteria provided. Collection method: clinical testing. Allele origin: germline. Not counted in ClinVar's aggregate classification.
Comment: This variant is classified as likely benign based on ACMG/AMP sequence variant interpretation guidelines (Richards et al. 2015 PMID: 25741868, with internal and published modifications).

NM_001365999.1(SZT2):c.28-5C>T

Gene: SZT2 (SZT2 subunit of KICSTOR complex; plus strand). Cytogenetic location: 1p34.2.
Variant type: single nucleotide variant.
Coding change: c.28-5C>T on transcript NM_001365999.1 (MANE Select); 5 bases into the intron before coding-DNA position 28, C replaced by T.
Molecular consequence: intron variant.
Genome position (GRCh38, 1-based): chr1:43,403,172, C>T. VCF-style: chr1-43403172-C-T. GRCh37 (hg19) VCF-style: chr1-43868843-C-T.
Other names: c.28-5C>T (NM_015284.4).
Identifiers: ClinVar variation 699315 (VCV000699315.14), dbSNP rs372519036, ClinGen allele CA808064.